The following is an entry in ClinVar:

NM_005560.6(LAMA5):c.9830T>G (p.Phe3277Cys)

Gene: LAMA5 (laminin subunit alpha 5; minus strand). Cytogenetic location: 20q13.33.
Variant type: single nucleotide variant.
Coding change: c.9830T>G on transcript NM_005560.6 (MANE Select); coding-DNA position 9830, T replaced by G.
Protein change: p.Phe3277Cys; replaces phenylalanine 3277 with cysteine.
Molecular consequence: missense variant.
Genome position (GRCh38, 1-based): chr20:62,311,513, A>C on the plus strand (T>G on the coding strand, the complement: LAMA5 is on the minus strand). VCF-style: chr20-62311513-A-C. GRCh37 (hg19) VCF-style: chr20-60886569-A-C.
Other names: short protein forms F3277C.
Identifiers: ClinVar variation 1920404 (VCV001920404.5), dbSNP rs971896544, ClinGen allele CA16040388.

ClinVar aggregate classification (germline): Uncertain significance (1 of 4 stars; one submission).

Allele frequency attached by ClinVar (database versions not stated): TOPMed 0.00001.
gnomAD v4.1: 7 of 1,611,152 alleles (0.00043%); highest among the groups gnomAD compares: African/African-American, 0.0013%; no homozygotes.

Submission:

Labcorp Genetics (formerly Invitae), Labcorp
Classification: Uncertain significance. Last evaluated: 2022-04-01. Review status: criteria provided, single submitter. Criteria: Invitae Variant Classification Sherloc (09022015). Collection method: clinical testing. Allele origin: germline.
Comment: In summary, the available evidence is currently insufficient to determine the role of this variant in disease. Therefore, it has been classified as a Variant of Uncertain Significance. Algorithms developed to predict the effect of sequence changes on RNA splicing suggest that this variant may disrupt the consensus splice site. This variant has not been reported in the literature in individuals affected with LAMA5-related conditions. This variant is present in population databases (no rsID available, gnomAD 0.0009%). This sequence change replaces phenylalanine, which is neutral and non-polar, with cysteine, which is neutral and slightly polar, at codon 3277 of the LAMA5 protein (p.Phe3277Cys). Algorithms developed to predict the effect of missense changes on protein structure and function (SIFT, PolyPhen-2, Align-GVGD) all suggest that this variant is likely to be tolerated.